The following is an entry in ClinVar:

NM_007294.4(BRCA1):c.1461T>C (p.Val487=)

Gene: BRCA1 (BRCA1 DNA repair associated; minus strand). Cytogenetic location: 17q21.31.
Variant type: single nucleotide variant.
Coding change: c.1461T>C on transcript NM_007294.4 (MANE Select); coding-DNA position 1461, T replaced by C.
Protein change: p.Val487=; no amino-acid change (valine 487 retained).
Molecular consequence: synonymous variant. On other transcripts: intron variant (137).
Genome position (GRCh38, 1-based): chr17:43,094,070, A>G on the plus strand (T>C on the coding strand, the complement: BRCA1 is on the minus strand). VCF-style: chr17-43094070-A-G. GRCh37 (hg19) VCF-style: chr17-41246087-A-G.
Other names: c.1338T>C, p.Val446= (NM_001407681.1, NM_001407682.1, NM_001407683.1 and 19 more transcripts); c.1461T>C, p.Val487= (NM_001407684.1, NM_001407854.1, NM_001407858.1 and 30 more transcripts); c.1335T>C, p.Val445= (NM_001407685.1, NM_001407686.1, NM_001407687.1 and 11 more transcripts); c.1320T>C, p.Val440= (NM_001407692.1, NM_001407694.1, NM_001407695.1 and 29 more transcripts); c.1317T>C, p.Val439= (NM_001407740.1, NM_001407741.1, NM_001407742.1 and 20 more transcripts); c.1248T>C, p.Val416= (NM_001407853.1, NM_001407894.1, NM_001407895.1 and 9 more transcripts); c.1458T>C, p.Val486= (NM_001407860.1, NM_001407861.1, NM_001407612.1 and 22 more transcripts); c.1260T>C, p.Val420= (NM_001407862.1); and 40 more.
Identifiers: ClinVar variation 2683813 (VCV002683813.1), dbSNP rs2154444826, ClinGen allele CA500233718.

ClinVar aggregate classification (germline): Likely benign (0 of 4 stars; one submission).

Conditions:
Breast-ovarian cancer, familial, susceptibility to, 1 (BROVCA1). Also called: BRCA1 Hereditary Breast and Ovarian Cancer; OVARIAN CANCER, SUSCEPTIBILITY TO. Identifiers: Orphanet 145, MedGen C2676676, MONDO:0011450, OMIM 604370. Disease mechanism: loss of function.

Submission:

Department of Medical and Surgical Sciences, University of Bologna
Classification: Likely benign for Breast-ovarian cancer, familial, susceptibility to, 1. Last evaluated: 2023-09-01. Review status: no assertion criteria provided. Collection method: clinical testing. Allele origin: germline. Affected: yes.
Comment: BP1(Strong) according to ACMG/AMP classification guidelines specified for BRCA1 & BRCA2 (Classification Criteria V1.0.0 2023-09-08) (PMID: 38160042)